The following is an entry in ClinVar:

NM_000051.4(ATM):c.2289_2295del (p.Phe763fs)

Gene: ATM (ATM serine/threonine kinase; plus strand). Cytogenetic location: 11q22.3.
Variant type: Deletion.
Coding change: c.2289_2295del on transcript NM_000051.4 (MANE Select); coding-DNA positions 2289 to 2295, 7 bases deleted (TAAAAAT; older notation c.2289_2295delTAAAAAT).
Protein change: p.Phe763fs; shifts the reading frame from phenylalanine 763.
Molecular consequence: frameshift variant.
Genome position (GRCh38, 1-based): chr11:108,257,519-108,257,525, TAAAAAT deleted; deleting any 7 consecutive bases within chr11:108,257,518-108,257,525 gives the same sequence; the c. name uses the placement nearest the transcript's 3' end. VCF-style (leftmost placement, unchanged base first): chr11-108257517-TTTAAAAA-T. GRCh37 (hg19) VCF-style: chr11-108128244-TTTAAAAA-T.
Other names: c.2289_2295del, p.Phe763fs (NM_001351834.2); short protein forms F763fs.
Identifiers: ClinVar variation 524302 (VCV000524302.5), dbSNP rs1555075690, ClinGen allele CA658797779.

ClinVar aggregate classification (germline): Pathogenic (1 of 4 stars; one submission).

Conditions:
Ataxia-telangiectasia syndrome (AT). Also called: ATAXIA-TELANGIECTASIA, COMPLEMENTATION GROUP A; ATAXIA-TELANGIECTASIA, FRESNO VARIANT; Ataxia-telangiectasia; Ataxia-telangiectasia, complementation group D; AT, COMPLEMENTATION GROUP C; Ataxia-telangiectasia, complementation group E. Identifiers: Orphanet 100, MedGen C0004135, MONDO:0008840, OMIM 208900.

Submission:

Labcorp Genetics (formerly Invitae), Labcorp
Classification: Pathogenic for Ataxia-telangiectasia syndrome. Last evaluated: 2020-04-08. Review status: criteria provided, single submitter. Criteria: Invitae Variant Classification Sherloc (09022015). Collection method: clinical testing. Allele origin: germline.
Comment: This sequence change creates a premature translational stop signal (p.Phe763Leufs*12) in the ATM gene. It is expected to result in an absent or disrupted protein product. For these reasons, this variant has been classified as Pathogenic. Loss-of-function variants in ATM are known to be pathogenic (PMID: 23807571, 25614872). This variant has not been reported in the literature in individuals with ATM-related disease. This variant is not present in population databases (ExAC no frequency).

Literature cited by the submitters: PubMed 23807571; PubMed 25614872.